The following is an entry in ClinVar:

ClinVar aggregate classification (germline): Likely benign. Review status: criteria provided, multiple submitters, no conflicts (2 of 4 stars). 2 submissions from 2 submitters: Likely benign (2). Last evaluated 2023-06-26.

Conditions:
Familial hypercholesterolemia. Also called: Familial hypercholesterolemias; Familial hypercholesterolaemia. Identifiers: MedGen C0020445, MONDO:0005439.
Hypercholesterolemia, autosomal dominant, 3 (FHCL3). Also called: Familial hypercholesterolemia 3; Familial Hypercholesterolemia, Autosomal Dominant, 3; PCSK9-Related Familial Hypercholesterolemia, Autosomal Dominant. Identifiers: MedGen C1863551, MONDO:0011369, OMIM 603776.

Submissions (2):

All of Us Research Program, National Institutes of Health
Classification: Likely benign for Hypercholesterolemia, autosomal dominant, 3. Last evaluated: 2023-06-26. Review status: criteria provided, single submitter. Criteria: ACMG Guidelines, 2015. Collection method: clinical testing. Allele origin: germline. Inheritance: Autosomal dominant inheritance. Observed: 1 variant allele, 1 heterozygote.
Comment: This study involves interpretation of variants in research participants for the purpose of population health screening. Participant phenotype was not available at the time of variant classification. Additional details can be found in publication PMID: 35346344, PMCID: PMC8962531

Color Diagnostics, LLC DBA Color Health
Classification: Likely benign for Familial hypercholesterolemia. Last evaluated: 2019-08-26. Review status: criteria provided, single submitter. Criteria: ACMG Guidelines, 2015. Collection method: clinical testing. Allele origin: germline.

NM_174936.4(PCSK9):c.552C>T (p.Leu184=)

Gene: PCSK9 (proprotein convertase subtilisin/kexin type 9; plus strand). Cytogenetic location: 1p32.3.
Variant type: single nucleotide variant.
Coding change: c.552C>T on transcript NM_174936.4 (MANE Select); coding-DNA position 552, C replaced by T.
Protein change: p.Leu184=; no amino-acid change (leucine 184 retained).
Molecular consequence: synonymous variant. On other transcripts: non-coding transcript variant (8).
Genome position (GRCh38, 1-based): chr1:55,052,306, C>T. VCF-style: chr1-55052306-C-T. GRCh37 (hg19) VCF-style: chr1-55517979-C-T.
Other names: c.675C>T, p.Leu225= (NM_001407240.1); c.552C>T, p.Leu184= (NM_001407241.1, NM_001407242.1, NM_001407244.1 and 1 more transcripts); c.495C>T, p.Leu165= (NM_001407243.1); c.360C>T, p.Leu120= (NM_001407245.1); c.177C>T, p.Leu59= (NM_001407246.1).
Identifiers: ClinVar variation 925236 (VCV000925236.4), dbSNP rs1644680335, ClinGen allele CA418180829.